The following is an entry in ClinVar:

ClinVar aggregate classification (germline): Uncertain significance. Review status: criteria provided, multiple submitters, no conflicts (2 of 4 stars). 2 submissions from 2 submitters: Uncertain significance (2). Last evaluated 2023-07-03.

Conditions:
Cardiovascular phenotype. Identifiers: MedGen CN230736.
Hypertrophic cardiomyopathy 14. Identifiers: MedGen C2750467, MONDO:0013197, OMIM 613251.

Allele frequency attached by ClinVar (database versions not stated): gnomAD exomes below 0.00001 and 0.00001; TOPMed below 0.00001; ExAC 0.00001.
gnomAD v4.1: 8 of 1,614,052 alleles (0.0005%); highest among the groups gnomAD compares: Non-Finnish European, 0.00068%; no homozygotes.

Submissions (2):

Ambry Genetics
Classification: Uncertain significance for Cardiovascular phenotype. Last evaluated: 2023-07-03. Review status: criteria provided, single submitter. Criteria: Ambry Variant Classification Scheme 2023. Collection method: clinical testing. Allele origin: germline.
Comment: The p.I1068T variant (also known as c.3203T>C), located in coding exon 22 of the MYH6 gene, results from a T to C substitution at nucleotide position 3203. The isoleucine at codon 1068 is replaced by threonine, an amino acid with similar properties. This alteration has been reported in a congenital heart disease cohort (Jin SC et al. Nat Genet, 2017 Nov;49:1593-1601). This amino acid position is not well conserved in available vertebrate species. In addition, the in silico prediction for this alteration is inconclusive. Since supporting evidence is limited at this time, the clinical significance of this alteration remains unclear.

Labcorp Genetics (formerly Invitae), Labcorp
Classification: Uncertain significance for Hypertrophic cardiomyopathy 14. Last evaluated: 2023-02-25. Review status: criteria provided, single submitter. Criteria: Invitae Variant Classification Sherloc (09022015). Collection method: clinical testing. Allele origin: germline.
Comment: In summary, the available evidence is currently insufficient to determine the role of this variant in disease. Therefore, it has been classified as a Variant of Uncertain Significance. Advanced modeling of protein sequence and biophysical properties (such as structural, functional, and spatial information, amino acid conservation, physicochemical variation, residue mobility, and thermodynamic stability) performed at Invitae indicates that this missense variant is not expected to disrupt MYH6 protein function. ClinVar contains an entry for this variant (Variation ID: 518527). This missense change has been observed in individual(s) with MYH6-related conditions (PMID: 28991257). This variant is present in population databases (rs777320756, gnomAD 0.0009%). This sequence change replaces isoleucine, which is neutral and non-polar, with threonine, which is neutral and polar, at codon 1068 of the MYH6 protein (p.Ile1068Thr).

Literature cited by the submitters: PubMed 28991257 (cited by Ambry Genetics and Labcorp Genetics (formerly Invitae), Labcorp).

NM_002471.4(MYH6):c.3203T>C (p.Ile1068Thr)

Gene: MYH6 (myosin heavy chain 6; minus strand). Cytogenetic location: 14q11.2.
Variant type: single nucleotide variant.
Coding change: c.3203T>C on transcript NM_002471.4 (MANE Select); coding-DNA position 3203, T replaced by C.
Protein change: p.Ile1068Thr; replaces isoleucine 1068 with threonine.
Molecular consequence: missense variant.
Genome position (GRCh38, 1-based): chr14:23,392,960, A>G on the plus strand (T>C on the coding strand, the complement: MYH6 is on the minus strand). VCF-style: chr14-23392960-A-G. GRCh37 (hg19) VCF-style: chr14-23862169-A-G.
Other names: short protein forms I1068T.
Identifiers: ClinVar variation 518527 (VCV000518527.9), dbSNP rs777320756, ClinGen allele CA7115278.